The following is an entry in ClinVar:

NM_000129.4(F13A1):c.610G>A (p.Glu204Lys)

Gene: F13A1 (coagulation factor XIII A chain; minus strand). Cytogenetic location: 6p25.1.
Variant type: single nucleotide variant.
Coding change: c.610G>A on transcript NM_000129.4 (MANE Select); coding-DNA position 610, G replaced by A.
Protein change: p.Glu204Lys; replaces glutamic acid 204 with lysine.
Molecular consequence: missense variant.
Genome position (GRCh38, 1-based): chr6:6,250,891, C>T on the plus strand (G>A on the coding strand, the complement: F13A1 is on the minus strand). VCF-style: chr6-6250891-C-T. GRCh37 (hg19) VCF-style: chr6-6251124-C-T.
Other names: p.Glu204Lys; short protein forms E204K.
Identifiers: ClinVar variation 4541103 (VCV004541103.1).
Genomic context (GRCh38, chr6:6,250,891, plus strand): 5'-TGGTCTTGATGTCATTGACCTCTCCATAAAAAATTACCCCGATGTCATTCAGGACATACT[C>T]TTCTCTTTCTTTCTCATTGTCCAGATACACAGCATCATCTGCATCAGGGTTTAAACATAG-3'
Protein context (NP_000120.2, residues 194-214): VYLDNEKERE[Glu204Lys]YVLNDIGVIF

ClinVar aggregate classification (germline): Uncertain significance (1 of 4 stars; one submission).

gnomAD v4.1: 6 of 1,613,230 alleles (0.00037%); highest among the groups gnomAD compares: Admixed American, 0.0083%; no homozygotes.

Submission:

Mayo Clinic Laboratories, Mayo Clinic
Classification: Uncertain significance. Last evaluated: 2024-10-31. Review status: criteria provided, single submitter. Criteria: ACMG Guidelines, 2015. Collection method: clinical testing. Allele origin: germline. Observed: 1 variant allele.
Comment: PP3, PM2_supporting, PM3

Literature cited by the submitters: PubMed 28520207; PubMed 34007504.